The following is an entry in ClinVar:

ClinVar aggregate classification (germline): Uncertain significance. Review status: criteria provided, multiple submitters, no conflicts (2 of 4 stars). 5 submissions from 5 submitters: Uncertain significance (5). Last evaluated 2025-07-21.

Conditions:
King Denborough syndrome (KDS). Identifiers: MedGen C1840365, MONDO:0020485, OMIM 619542.
Congenital multicore myopathy with external ophthalmoplegia (CMYO1B). Also called: MULTIMINICORE DISEASE WITH EXTERNAL OPHTHALMOPLEGIA; MULTICORE MYOPATHY; Congenital myopathy 1B, autosomal recessive; Minicore myopathy; Minicore myopathy with external ophthalmoplegia. Identifiers: Orphanet 598, Orphanet 98905, MedGen C1850674, MONDO:0009712, OMIM 255320, HP:0003789.
Central core myopathy (CMYO1A). Also called: CONGENITAL MYOPATHY 1A, AUTOSOMAL DOMINANT, WITH SUSCEPTIBILITY TO MALIGNANT HYPERTHERMIA; Central core disease; Myopathy, central fibrillar. Identifiers: Orphanet 597, MedGen C5830701, MONDO:0007294, OMIM 117000.
Malignant hyperthermia, susceptibility to, 1 (MHS1). Also called: RYR1-Related Malignant Hyperthermia Susceptibility; Malignant hyperthermia suceptibility 1; Anesthesia related hyperthermia; Malignant hyperpyrexia; Fulminating hyperpyrexia; Pharmacogenic myopathy. Identifiers: Orphanet 423, MedGen C2930980, MONDO:0007783, OMIM 145600.
Congenital myopathy with fiber type disproportion. Also called: Congenital fiber-type disproportion myopathy; Congenital fiber-type disproportion. Identifiers: Orphanet 2020, MedGen C0546264, MONDO:0009711. Inheritance: all.
RYR1-related disorder. Also called: RYR1-related condition; RYR1-related disorders. Identifiers: MedGen CN239331.

Allele frequency attached by ClinVar (database versions not stated): gnomAD 0.00005 and 0.00006; TOPMed 0.00006.
gnomAD v4.1: 101 of 1,613,288 alleles (0.0063%); highest among the groups gnomAD compares: East Asian, 0.038%; no homozygotes.

Submissions (5):

Color Diagnostics, LLC DBA Color Health
Classification: Uncertain significance for Malignant hyperthermia, susceptibility to, 1. Last evaluated: 2025-07-21. Review status: criteria provided, single submitter. Criteria: ACMG Guidelines, 2015. Collection method: clinical testing. Allele origin: germline.
Comment: This missense variant replaces threonine with methionine at codon 2839 of the RYR1 protein. Computational prediction suggests that this variant may not impact protein structure and function. To our knowledge, functional studies have not been reported for this variant. This variant has not been reported in individuals affected with RYR1-related disorders in the literature. This variant has been identified in 5/281538 chromosomes in the general population by the Genome Aggregation Database (gnomAD). The available evidence is insufficient to determine the role of this variant in disease conclusively. Therefore, this variant is classified as a Variant of Uncertain Significance.

Labcorp Genetics (formerly Invitae), Labcorp
Classification: Uncertain significance for RYR1-related disorder. Last evaluated: 2022-06-26. Review status: criteria provided, single submitter. Criteria: Invitae Variant Classification Sherloc (09022015). Collection method: clinical testing. Allele origin: germline.
Comment: This sequence change replaces threonine, which is neutral and polar, with methionine, which is neutral and non-polar, at codon 2839 of the RYR1 protein (p.Thr2839Met). This variant is present in population databases (rs781458272, gnomAD 0.003%). This variant has not been reported in the literature in individuals affected with RYR1-related conditions. ClinVar contains an entry for this variant (Variation ID: 640070). Advanced modeling of protein sequence and biophysical properties (such as structural, functional, and spatial information, amino acid conservation, physicochemical variation, residue mobility, and thermodynamic stability) performed at Invitae indicates that this missense variant is not expected to disrupt RYR1 protein function. In summary, the available evidence is currently insufficient to determine the role of this variant in disease. Therefore, it has been classified as a Variant of Uncertain Significance.

Department of Pathology and Laboratory Medicine, Sinai Health System
Classification: Uncertain significance for Central core myopathy; Malignant hyperthermia, susceptibility to, 1; Congenital multicore myopathy with external ophthalmoplegia; King Denborough syndrome. Last evaluated: 2021-10-22. Review status: criteria provided, single submitter. Criteria: ACMG Guidelines, 2015. Collection method: research. Allele origin: germline.

Fulgent Genetics
Classification: Uncertain significance for Central core myopathy; Malignant hyperthermia, susceptibility to, 1; Congenital myopathy 4A, autosomal dominant; Congenital multicore myopathy with external ophthalmoplegia; King Denborough syndrome. Last evaluated: 2021-09-16. Review status: criteria provided, single submitter. Criteria: ACMG Guidelines, 2015. Collection method: clinical testing. Allele origin: unknown.

Revvity Omics, Revvity
Classification: Uncertain significance. Last evaluated: 2020-07-02. Review status: criteria provided, single submitter. Criteria: ACMG Guidelines, 2015. Collection method: clinical testing. Allele origin: germline.

NM_000540.3(RYR1):c.8516C>T (p.Thr2839Met)

Genes: RYR1 (ryanodine receptor 1; plus strand), LOC126862902 (BRD4-independent group 4 enhancer GRCh37_chr19:38995830-38997029; plus strand). Cytogenetic location: 19q13.2.
Variant type: single nucleotide variant.
Coding change: c.8516C>T on transcript NM_000540.3 (MANE Select); coding-DNA position 8516, C replaced by T.
Protein change: p.Thr2839Met; replaces threonine 2839 with methionine.
Molecular consequence: missense variant.
Genome position (GRCh38, 1-based): chr19:38,505,921, C>T. VCF-style: chr19-38505921-C-T. GRCh37 (hg19) VCF-style: chr19-38996561-C-T.
Other names: c.8516C>T, p.Thr2839Met (NM_001042723.2); short protein forms T2839M.
Identifiers: ClinVar variation 640070 (VCV000640070.20), dbSNP rs781458272, ClinGen allele CA072152.
Genomic context (GRCh38, chr19:38,505,921, plus strand): 5'-GGGAATGGACGATAGAGAAGGCCAGGGAGGGTGAGGAGGAGAAGACGGAAAAGAAAAAAA[C>T]GCGGAAGATATCACAAAGTGCCCAGGTGAAGGCGGGGCCTGGGTGGAGGGCAGGGGCACG-3'
Protein context (NP_000531.2, residues 2829-2849): GEEEKTEKKK[Thr2839Met]RKISQSAQTY